The following is an entry in ClinVar:

ClinVar aggregate classification (germline): Uncertain significance. Review status: criteria provided, multiple submitters, no conflicts (2 of 4 stars). 2 submissions from 2 submitters: Uncertain significance (2). Last evaluated 2024-09-10.

Allele frequency attached by ClinVar (database versions not stated): ExAC 0.00001; gnomAD exomes 0.00002 and 0.00003; TOPMed 0.00002.

Submissions (2):

Blueprint Genetics
Classification: Uncertain significance. Last evaluated: 2024-09-10. Review status: criteria provided, single submitter. Criteria: ACMG Guidelines, 2015. Collection method: clinical testing. Allele origin: germline.

Labcorp Genetics (formerly Invitae), Labcorp
Classification: Uncertain significance. Last evaluated: 2022-02-08. Review status: criteria provided, single submitter. Criteria: Invitae Variant Classification Sherloc (09022015). Collection method: clinical testing. Allele origin: germline.
Comment: This sequence change replaces glutamic acid, which is acidic and polar, with alanine, which is neutral and non-polar, at codon 584 of the EYS protein (p.Glu584Ala). This variant is present in population databases (rs779081564, gnomAD 0.005%). This missense change has been observed in individual(s) with inherited retinal disease (PMID: 32037395). Algorithms developed to predict the effect of missense changes on protein structure and function are either unavailable or do not agree on the potential impact of this missense change (SIFT: "Tolerated"; PolyPhen-2: "Possibly Damaging"; Align-GVGD: "Class C0"). In summary, the available evidence is currently insufficient to determine the role of this variant in disease. Therefore, it has been classified as a Variant of Uncertain Significance.

Literature cited by the submitters: PubMed 32037395 (cited by Labcorp Genetics (formerly Invitae), Labcorp).

NM_001142800.2(EYS):c.1751A>C (p.Glu584Ala)

Gene: EYS (EGF-like photoreceptor maintenance factor; minus strand). Cytogenetic location: 6q12.
Variant type: single nucleotide variant.
Coding change: c.1751A>C on transcript NM_001142800.2 (MANE Select); coding-DNA position 1751, A replaced by C.
Protein change: p.Glu584Ala; replaces glutamic acid 584 with alanine.
Molecular consequence: missense variant.
Genome position (GRCh38, 1-based): chr6:65,334,995, T>G on the plus strand (A>C on the coding strand, the complement: EYS is on the minus strand). VCF-style: chr6-65334995-T-G. GRCh37 (hg19) VCF-style: chr6-66044888-T-G.
Other names: c.1751A>C, p.Glu584Ala (NM_001142801.2, NM_001292009.2, NM_198283.2); short protein forms E584A.
Identifiers: ClinVar variation 1350159 (VCV001350159.4), dbSNP rs779081564, ClinGen allele CA3877630.
Genomic context (GRCh38, chr6:65,334,995, plus strand): 5'-ACTTTTTGATATGTGATATTATCTGCTCAAATGATACATAAATACCTGGGTCTATTAATT[T>G]CATCTTTACAAACAGCTTCATGTTGACACTCATTTTCTTGATCATCAGTTGTATTTTCCA-3'
Protein context (NP_001136272.1, residues 574-594): ECQHEAVCKD[Glu584Ala]INRPRCSCSL